The following is an entry in ClinVar:

ClinVar aggregate classification (germline): Uncertain significance (1 of 4 stars; one submission).

Conditions:
Bloom syndrome (BLM). Also called: Bloom-Torre-Machacek syndrome. Identifiers: Orphanet 125, MedGen C0005859, MONDO:0008876, OMIM 210900.

Submission:

Labcorp Genetics (formerly Invitae), Labcorp
Classification: Uncertain significance for Bloom syndrome. Last evaluated: 2024-06-24. Review status: criteria provided, single submitter. Criteria: Invitae Variant Classification Sherloc (09022015). Collection method: clinical testing. Allele origin: germline.
Comment: This sequence change replaces aspartic acid, which is acidic and polar, with glycine, which is neutral and non-polar, at codon 415 of the BLM protein (p.Asp415Gly). This variant is not present in population databases (gnomAD no frequency). This variant has not been reported in the literature in individuals affected with BLM-related conditions. Advanced modeling of protein sequence and biophysical properties (such as structural, functional, and spatial information, amino acid conservation, physicochemical variation, residue mobility, and thermodynamic stability) performed at Invitae indicates that this missense variant is not expected to disrupt BLM protein function with a negative predictive value of 80%. In summary, the available evidence is currently insufficient to determine the role of this variant in disease. Therefore, it has been classified as a Variant of Uncertain Significance.

NM_000057.4(BLM):c.1244A>G (p.Asp415Gly)

Gene: BLM (BLM RecQ like helicase; plus strand). Cytogenetic location: 15q26.1.
Variant type: single nucleotide variant.
Coding change: c.1244A>G on transcript NM_000057.4 (MANE Select); coding-DNA position 1244, A replaced by G.
Protein change: p.Asp415Gly; replaces aspartic acid 415 with glycine.
Molecular consequence: missense variant.
Genome position (GRCh38, 1-based): chr15:90,760,617, A>G. VCF-style: chr15-90760617-A-G. GRCh37 (hg19) VCF-style: chr15-91303847-A-G.
Other names: c.1244A>G, p.Asp415Gly (NM_001287246.2, NM_001287247.2); c.119A>G, p.Asp40Gly (NM_001287248.2); short protein forms D40G, D415G.
Identifiers: ClinVar variation 3685956 (VCV003685956.2).